The following is an entry in ClinVar:

NM_182972.3(IRF2BP2):c.1358G>T (p.Arg453Met)

Gene: IRF2BP2 (interferon regulatory factor 2 binding protein 2; minus strand). Cytogenetic location: 1q42.3.
Variant type: single nucleotide variant.
Coding change: c.1358G>T on transcript NM_182972.3 (MANE Select); coding-DNA position 1358, G replaced by T.
Protein change: p.Arg453Met; replaces arginine 453 with methionine.
Molecular consequence: missense variant.
Genome position (GRCh38, 1-based): chr1:234,607,543, C>A on the plus strand (G>T on the coding strand, the complement: IRF2BP2 is on the minus strand). VCF-style: chr1-234607543-C-A. GRCh37 (hg19) VCF-style: chr1-234743289-C-A.
Other names: c.1310G>T, p.Arg437Met (NM_001077397.1); short protein forms R437M, R453M.
Identifiers: ClinVar variation 2704363 (VCV002704363.3), dbSNP rs1311248422, ClinGen allele CA345305876.

ClinVar aggregate classification (germline): Uncertain significance (1 of 4 stars; one submission).

Submission:

Labcorp Genetics (formerly Invitae), Labcorp
Classification: Uncertain significance. Last evaluated: 2023-12-19. Review status: criteria provided, single submitter. Criteria: Invitae Variant Classification Sherloc (09022015). Collection method: clinical testing. Allele origin: germline.
Comment: This sequence change replaces arginine, which is basic and polar, with methionine, which is neutral and non-polar, at codon 453 of the IRF2BP2 protein (p.Arg453Met). This variant is not present in population databases (gnomAD no frequency). This variant has not been reported in the literature in individuals affected with IRF2BP2-related conditions. An algorithm developed to predict the effect of missense changes on protein structure and function (PolyPhen-2) suggests that this variant is likely to be disruptive. In summary, the available evidence is currently insufficient to determine the role of this variant in disease. Therefore, it has been classified as a Variant of Uncertain Significance.